The following is an entry in ClinVar:

ClinVar aggregate classification (germline): Uncertain significance (1 of 4 stars; one submission).

Submission:

Labcorp Genetics (formerly Invitae), Labcorp
Classification: Uncertain significance. Last evaluated: 2024-05-28. Review status: criteria provided, single submitter. Criteria: Invitae Variant Classification Sherloc (09022015). Collection method: clinical testing. Allele origin: germline.
Comment: This sequence change replaces alanine, which is neutral and non-polar, with valine, which is neutral and non-polar, at codon 587 of the LZTR1 protein (p.Ala587Val). This variant is present in population databases (no rsID available, gnomAD 0.006%). This variant has not been reported in the literature in individuals affected with LZTR1-related conditions. Advanced modeling of protein sequence and biophysical properties (such as structural, functional, and spatial information, amino acid conservation, physicochemical variation, residue mobility, and thermodynamic stability) performed at Invitae indicates that this missense variant is not expected to disrupt LZTR1 protein function with a negative predictive value of 80%. In summary, the available evidence is currently insufficient to determine the role of this variant in disease. Therefore, it has been classified as a Variant of Uncertain Significance.

NM_006767.4(LZTR1):c.1760C>T (p.Ala587Val)

Gene: LZTR1 (leucine zipper like post translational regulator 1; plus strand). Cytogenetic location: 22q11.21.
Variant type: single nucleotide variant.
Coding change: c.1760C>T on transcript NM_006767.4 (MANE Select); coding-DNA position 1760, C replaced by T.
Protein change: p.Ala587Val; replaces alanine 587 with valine.
Molecular consequence: missense variant.
Genome position (GRCh38, 1-based): chr22:20,994,702, C>T. VCF-style: chr22-20994702-C-T. GRCh37 (hg19) VCF-style: chr22-21348991-C-T.
Other names: short protein forms A587V.
Identifiers: ClinVar variation 3690988 (VCV003690988.2).
Genomic context (GRCh38, chr22:20,994,702, plus strand): 5'-GCCAGTACATCGAGGCCTCCGTGGACCTGCAGAACGTGCTGGTTGTGTGCGAGAGTGCCG[C>T]CCGGCTGCAGCTGAGCCAACTCAAGGTGTGGGGTGGGGTCAGCGCAATCAGGGTTGGGTG-3'
Protein context (NP_006758.2, residues 577-597): QNVLVVCESA[Ala587Val]RLQLSQLKEH